The following is an entry in ClinVar:

NM_152743.4(BRAT1):c.2240C>T (p.Ser747Phe)

Gene: BRAT1 (BRCA1 associated ATM activator 1; minus strand). Cytogenetic location: 7p22.3.
Variant type: single nucleotide variant.
Coding change: c.2240C>T on transcript NM_152743.4 (MANE Select); coding-DNA position 2240, C replaced by T.
Protein change: p.Ser747Phe; replaces serine 747 with phenylalanine.
Molecular consequence: missense variant. On other transcripts: non-coding transcript variant (1).
Genome position (GRCh38, 1-based): chr7:2,538,295, G>A on the plus strand (C>T on the coding strand, the complement: BRAT1 is on the minus strand). VCF-style: chr7-2538295-G-A. GRCh37 (hg19) VCF-style: chr7-2577929-G-A.
Other names: c.2420C>T, p.Ser807Phe (NM_001350626.2); c.1715C>T, p.Ser572Phe (NM_001350627.2); short protein forms S747F, S572F, S807F.
Identifiers: ClinVar variation 540164 (VCV000540164.6), dbSNP rs923807425, ClinGen allele CA152664391.

ClinVar aggregate classification (germline): Uncertain significance (1 of 4 stars; one submission).

Conditions:
Neonatal-onset encephalopathy with rigidity and seizures. Also called: Lethal neonatal spasticity-epileptic encephalopathy syndrome. Identifiers: Orphanet 435845, MedGen C3281029, MONDO:0013784, OMIM 614498.

Allele frequency attached by ClinVar (database versions not stated): gnomAD exomes 0.00001; TOPMed 0.00001.
gnomAD v4.1: 11 of 1,612,674 alleles (0.00068%); highest among the groups gnomAD compares: African/African-American, 0.0013%; no homozygotes.

Submission:

Labcorp Genetics (formerly Invitae), Labcorp
Classification: Uncertain significance for Neonatal-onset encephalopathy with rigidity and seizures. Last evaluated: 2021-08-28. Review status: criteria provided, single submitter. Criteria: Invitae Variant Classification Sherloc (09022015). Collection method: clinical testing. Allele origin: germline.
Comment: This sequence change replaces serine with phenylalanine at codon 747 of the BRAT1 protein (p.Ser747Phe). The serine residue is moderately conserved and there is a large physicochemical difference between serine and phenylalanine. This variant is not present in population databases (ExAC no frequency). This variant has not been reported in the literature in individuals affected with BRAT1-related conditions. Algorithms developed to predict the effect of missense changes on protein structure and function are either unavailable or do not agree on the potential impact of this missense change (SIFT: "Deleterious"; PolyPhen-2: "Benign"; Align-GVGD: "Class C15"). In summary, the available evidence is currently insufficient to determine the role of this variant in disease. Therefore, it has been classified as a Variant of Uncertain Significance.